The following is an entry in ClinVar:

ClinVar aggregate classification (germline): Pathogenic (1 of 4 stars; one submission).

Conditions:
Pyridoxine-dependent epilepsy (EPEO4). Also called: Pyridoxine-Dependent Epilepsy - ALDH7A1; EPILEPSY, EARLY-ONSET, 4, VITAMIN B6-DEPENDENT; PYRIDOXINE DEPENDENCY WITH SEIZURES; Pyridoxine-Dependent Seizures. Identifiers: Orphanet 3006, MedGen C1849508, MONDO:0009945, OMIM 266100. Disease mechanism: loss of function.

Submission:

Labcorp Genetics (formerly Invitae), Labcorp
Classification: Pathogenic for Pyridoxine-dependent epilepsy. Last evaluated: 2019-07-18. Review status: criteria provided, single submitter. Criteria: Invitae Variant Classification Sherloc (09022015). Collection method: clinical testing. Allele origin: germline.
Comment: This sequence change creates a premature translational stop signal (p.Glu450*) in the ALDH7A1 gene. It is expected to result in an absent or disrupted protein product. This variant is not present in population databases (ExAC no frequency). This variant has not been reported in the literature in individuals with ALDH7A1-related conditions. Loss-of-function variants in ALDH7A1 are known to be pathogenic (PMID: 16491085, 20554659). For these reasons, this variant has been classified as Pathogenic.

NM_001182.5(ALDH7A1):c.1348G>T (p.Glu450Ter)

Gene: ALDH7A1 (aldehyde dehydrogenase 7 family member A1; minus strand). Cytogenetic location: 5q23.2.
Variant type: single nucleotide variant.
Coding change: c.1348G>T on transcript NM_001182.5 (MANE Select); coding-DNA position 1348, G replaced by T.
Protein change: p.Glu450Ter; replaces glutamic acid 450 with a stop codon.
Molecular consequence: nonsense.
Genome position (GRCh38, 1-based): chr5:126,550,263, C>A on the plus strand (G>T on the coding strand, the complement: ALDH7A1 is on the minus strand). VCF-style: chr5-126550263-C-A. GRCh37 (hg19) VCF-style: chr5-125885955-C-A.
Other names: c.1264G>T, p.Glu422Ter (NM_001201377.2); c.1156G>T, p.Glu386Ter (NM_001202404.2); short protein forms E386*, E422*, E450*.
Identifiers: ClinVar variation 837711 (VCV000837711.1), dbSNP rs1749947130, ClinGen allele CA360721779.